The following is an entry in ClinVar:

ClinVar aggregate classification (germline): Uncertain significance (0 of 4 stars; one submission).

Conditions:
Primary hyperoxaluria, type I (HP1). Also called: GLYCOLIC ACIDURIA; HEPATIC AGT DEFICIENCY; OXALOSIS I; Primary hyperoxaluria type 1. Identifiers: Orphanet 416, Orphanet 93598, MedGen C0268164, MONDO:0009823, OMIM 259900. Disease mechanism: loss of function.

Allele frequency attached by ClinVar (database versions not stated): gnomAD exomes below 0.00001 and 0.00001; ExAC 0.00002.
gnomAD v4.1: 2 of 1,612,854 alleles (0.00012%); highest among the groups gnomAD compares: Non-Finnish European, 0.00017%; no homozygotes.

Submission:

Clinical Biochemistry Laboratory, Health Services Laboratory
Classification: Uncertain significance for Primary hyperoxaluria, type I. Last evaluated: 2014-11-27. Review status: no assertion criteria provided. Collection method: research. Allele origin: germline. Affected: yes.
Comment: On the same allele as the c.358+2G>T mutation.

Literature cited by the submitters: PubMed 19479957.

NM_000030.3(AGXT):c.296C>A (p.Ser99Tyr)

Gene: AGXT (alanine--glyoxylate aminotransferase; plus strand). Cytogenetic location: 2q37.3.
Variant type: single nucleotide variant.
Coding change: c.296C>A on transcript NM_000030.3 (MANE Select); coding-DNA position 296, C replaced by A.
Protein change: p.Ser99Tyr; replaces serine 99 with tyrosine.
Molecular consequence: missense variant.
Genome position (GRCh38, 1-based): chr2:240,869,300, C>A. VCF-style: chr2-240869300-C-A. GRCh37 (hg19) VCF-style: chr2-241808717-C-A.
Other names: short protein forms S99Y.
Identifiers: ClinVar variation 204031 (VCV000204031.2), dbSNP rs180177192, ClinGen allele CA275566.